The following is an entry in ClinVar:

ClinVar aggregate classification (germline): Uncertain significance. Review status: criteria provided, multiple submitters, no conflicts (2 of 4 stars). 2 submissions from 2 submitters: Uncertain significance (2). Last evaluated 2026-01-11.

Conditions:
Inborn genetic diseases. Identifiers: MedGen C0950123, MeSH D030342.

Allele frequency attached by ClinVar (database versions not stated): gnomAD 0.00003; gnomAD exomes 0.00003; TOPMed 0.00003; ExAC 0.00004; 1000 Genomes Project 0.00020; 1000 Genomes Project 30x 0.00031.
gnomAD v4.1: 53 of 1,614,154 alleles (0.0033%); highest among the groups gnomAD compares: Admixed American, 0.0067%; no homozygotes.

Submissions (2):

Labcorp Genetics (formerly Invitae), Labcorp
Classification: Uncertain significance. Last evaluated: 2026-01-11. Review status: criteria provided, single submitter. Criteria: Invitae Variant Classification Sherloc (09022015). Collection method: clinical testing. Allele origin: germline.
Comment: This sequence change replaces glutamine, which is neutral and polar, with proline, which is neutral and non-polar, at codon 4353 of the DNAH9 protein (p.Gln4353Pro). This variant is present in population databases (rs202052127, gnomAD 0.01%). This variant has not been reported in the literature in individuals affected with DNAH9-related conditions. ClinVar contains an entry for this variant (Variation ID: 2062889). Invitae Evidence Modeling of protein sequence and biophysical properties (such as structural, functional, and spatial information, amino acid conservation, physicochemical variation, residue mobility, and thermodynamic stability) indicates that this missense variant is expected to disrupt DNAH9 protein function with a positive predictive value of 80%. In summary, the available evidence is currently insufficient to determine the role of this variant in disease. Therefore, it has been classified as a Variant of Uncertain Significance.

Ambry Genetics
Classification: Uncertain significance for Inborn genetic diseases. Last evaluated: 2025-04-12. Review status: criteria provided, single submitter. Criteria: Ambry Variant Classification Scheme 2023. Collection method: clinical testing. Allele origin: germline.

NM_001372.4(DNAH9):c.13058A>C (p.Gln4353Pro)

Gene: DNAH9 (dynein axonemal heavy chain 9; plus strand). Cytogenetic location: 17p12.
Variant type: single nucleotide variant.
Coding change: c.13058A>C on transcript NM_001372.4 (MANE Select); coding-DNA position 13058, A replaced by C.
Protein change: p.Gln4353Pro; replaces glutamine 4353 with proline.
Molecular consequence: missense variant.
Genome position (GRCh38, 1-based): chr17:11,962,081, A>C. VCF-style: chr17-11962081-A-C. GRCh37 (hg19) VCF-style: chr17-11865398-A-C.
Other names: c.1994A>C, p.Gln665Pro (NM_004662.2); c.13058A>C (NM_001372.3); short protein forms Q4353P, Q665P.
Identifiers: ClinVar variation 2062889 (VCV002062889.5), dbSNP rs202052127, ClinGen allele CA8398333.
Genomic context (GRCh38, chr17:11,962,081, plus strand): 5'-CTTGGACGGGTGACTTTACAATGCCCTCCACTGTGTGGCTGACAGGCTTCTTCAACCCCC[A>C]GTCGTTCCTGACTGCCATCATGCAGTCCACGGCTCGCAAGAATGAGTGGCCACTGGACCA-3'
Protein context (NP_001363.2, residues 4343-4363): TVWLTGFFNP[Gln4353Pro]SFLTAIMQST